The following is an entry in ClinVar:

NM_024690.2(MUC16):c.39585G>A (p.Thr13195=)

Gene: MUC16 (mucin 16, cell surface associated; minus strand). Cytogenetic location: 19p13.2.
Variant type: single nucleotide variant.
Coding change: c.39585G>A on transcript NM_024690.2; coding-DNA position 39585, G replaced by A.
Protein change: p.Thr13195=; no amino-acid change (threonine 13195 retained).
Molecular consequence: synonymous variant.
Genome position (GRCh38, 1-based): chr19:8,895,987, C>T on the plus strand (G>A on the coding strand, the complement: MUC16 is on the minus strand). VCF-style: chr19-8895987-C-T. GRCh37 (hg19) VCF-style: chr19-9006663-C-T.
Identifiers: ClinVar variation 5039168 (VCV005039168.1).

ClinVar aggregate classification (germline): Likely benign (1 of 4 stars; one submission).

Submission:

CeGaT Center for Human Genetics Tuebingen
Classification: Likely benign. Last evaluated: 2026-07-01. Review status: criteria provided, single submitter. Criteria: CeGaT Center For Human Genetics Tuebingen Variant Classification Criteria Version 2. Collection method: clinical testing. Allele origin: germline. Affected: yes. Observed: 1 variant allele.
Comment: MUC16: BP4, BP7